The following is an entry in ClinVar:

ClinVar aggregate classification (germline): Uncertain significance (1 of 4 stars; one submission).

Submission:

Clinical Genomics Laboratory, Washington University in St. Louis
Classification: Uncertain significance. Last evaluated: 2026-01-02. Review status: criteria provided, single submitter. Criteria: ACMG Guidelines, 2015. Collection method: clinical testing. Allele origin: germline.
Comment: The RHEBL1 c.381-1G>C variant, to our knowledge, has not been reported in the medical literature and is absent from the general population (gnomAD v4.1.0), indicating it is not a common variant. This variant occurs within the canonical splice acceptor site, which is predicted to cause skipping of the exon, leading to an out of frame transcript. Due to limited information, the clinical significance of this variant is uncertain.

NM_144593.3(RHEBL1):c.381-1G>C

Gene: RHEBL1 (RHEB like 1; minus strand). Cytogenetic location: 12q13.12.
Variant type: single nucleotide variant.
Coding change: c.381-1G>C on transcript NM_144593.3 (MANE Select); the canonical splice acceptor site of the intron before coding-DNA position 381, G replaced by C.
Molecular consequence: splice acceptor variant.
Genome position (GRCh38, 1-based): chr12:49,065,432, C>G on the plus strand (G>C on the coding strand, the complement: RHEBL1 is on the minus strand). VCF-style: chr12-49065432-C-G. GRCh37 (hg19) VCF-style: chr12-49459215-C-G.
Other names: c.375-1G>C (NM_001303126.2).
Identifiers: ClinVar variation 4879558 (VCV004879558.1).